The following is an entry in ClinVar:

ClinVar aggregate classification (germline): Conflicting classifications of pathogenicity. Review status: criteria provided, conflicting classifications (1 of 4 stars). 5 submissions from 5 submitters: Uncertain significance (1); Benign (1); Likely benign (3). Last evaluated 2025-03-01.

Conditions:
Factor XIII, A subunit, deficiency of. Also called: Factor XIII subunit A deficiency. Identifiers: Orphanet 331, MedGen C2750514, MONDO:0013187, OMIM 613225, HP:0040233.

Allele frequency attached by ClinVar (database versions not stated): 1000 Genomes Project 0.00260; 1000 Genomes Project 30x 0.00265; ExAC 0.00287; gnomAD exomes 0.00307 and 0.00455; gnomAD 0.00353 and 0.00357; ESP Exome Variant Server 0.00369; TOPMed 0.00376.
gnomAD v4.1: 7,257 of 1,614,102 alleles (0.45%); highest among the groups gnomAD compares: Middle Eastern, 1.2%; 30 homozygotes.

Submissions (5):

CeGaT Center for Human Genetics Tuebingen
Classification: Likely benign. Last evaluated: 2025-03-01. Review status: criteria provided, single submitter. Criteria: CeGaT Center For Human Genetics Tuebingen Variant Classification Criteria Version 2. Collection method: clinical testing. Allele origin: germline. Affected: yes. Observed: 6 variant alleles.
Comment: F13A1: BP4, BP7, BS2

Blueprint Genetics
Classification: Likely benign. Last evaluated: 2024-11-15. Review status: criteria provided, single submitter. Criteria: ACMG Guidelines, 2015. Collection method: clinical testing. Allele origin: germline.

Labcorp Genetics (formerly Invitae), Labcorp
Classification: Benign. Last evaluated: 2019-12-31. Review status: criteria provided, single submitter. Criteria: Invitae Variant Classification Sherloc (09022015). Collection method: clinical testing. Allele origin: germline.

Illumina Laboratory Services, Illumina
Classification: Uncertain significance for Factor XIII, A subunit, deficiency of. Last evaluated: 2018-01-13. Review status: criteria provided, single submitter. Criteria: ICSL Variant Classification Criteria 13 December 2019. Collection method: clinical testing. Allele origin: germline.

Mayo Clinic Laboratories, Mayo Clinic
Classification: Likely benign. Last evaluated: 2016-08-09. Review status: criteria provided, single submitter. Criteria: ACMG Guidelines, 2015. Collection method: clinical testing. Allele origin: germline. Observed: 2 variant alleles.

NM_000129.4(F13A1):c.2169C>T (p.Asp723=)

Gene: F13A1 (coagulation factor XIII A chain; minus strand). Cytogenetic location: 6p25.1.
Variant type: single nucleotide variant.
Coding change: c.2169C>T on transcript NM_000129.4 (MANE Select); coding-DNA position 2169, C replaced by T.
Protein change: p.Asp723=; no amino-acid change (aspartic acid 723 retained).
Molecular consequence: synonymous variant.
Genome position (GRCh38, 1-based): chr6:6,145,649, G>A on the plus strand (C>T on the coding strand, the complement: F13A1 is on the minus strand). VCF-style: chr6-6145649-G-A. GRCh37 (hg19) VCF-style: chr6-6145882-G-A.
Other names: p.Asp723=.
Identifiers: ClinVar variation 782102 (VCV000782102.50), dbSNP rs5989, ClinGen allele CA3624126.
Genomic context (GRCh38, chr6:6,145,649, plus strand): 5'-TGCCAGGGTTCATCTCAGCTTCCTGTGCATTCACATGGAAGGTCGTCTTTGAATCTGCAC[G>A]TCCAGCTCGCCATACACATGTCTCAGGGAGTCACTGCTCATGCTGGCTATCAGCTTCCGA-3'
Protein context (NP_000120.2, residues 713-732): DSLRHVYGEL[Asp723=]VQIQRRPSM